The following is an entry in ClinVar:

ClinVar aggregate classification (germline): Uncertain significance (1 of 4 stars; one submission).

Submission:

Labcorp Genetics (formerly Invitae), Labcorp
Classification: Uncertain significance. Last evaluated: 2023-02-01. Review status: criteria provided, single submitter. Criteria: Invitae Variant Classification Sherloc (09022015). Collection method: clinical testing. Allele origin: germline.
Comment: In summary, the available evidence is currently insufficient to determine the role of this variant in disease. Therefore, it has been classified as a Variant of Uncertain Significance. Experimental studies and prediction algorithms are not available or were not evaluated, and the functional significance of this variant is currently unknown. This variant has not been reported in the literature in individuals affected with TBX20-related conditions. This variant is not present in population databases (gnomAD no frequency). This sequence change results in a frameshift in the TBX20 gene (p.Leu397Aspfs*?). While this is not anticipated to result in nonsense mediated decay, it is expected to disrupt the last 51 amino acid(s) of the TBX20 protein and extend the protein by an uncertain number of additional amino acid residues.

NM_001077653.2(TBX20):c.1189_1190del (p.Leu397fs)

Gene: TBX20 (T-box transcription factor 20; minus strand). Cytogenetic location: 7p14.2.
Variant type: Microsatellite.
Coding change: c.1189_1190del on transcript NM_001077653.2 (MANE Select); coding-DNA positions 1189 to 1190, 2 bases deleted (CT; older notation c.1189_1190delCT).
Protein change: p.Leu397fs; shifts the reading frame from leucine 397.
Molecular consequence: frameshift variant.
Genome position (GRCh38, 1-based): chr7:35,202,584-35,202,585, AG deleted on the plus strand (CT on the coding strand, the reverse complement: TBX20 is on the minus strand); deleting any 2 consecutive bases within chr7:35,202,584-35,202,587 gives the same sequence; the c. name uses the placement nearest the transcript's 3' end. VCF-style (leftmost placement, unchanged base first): chr7-35202583-CAG-C. GRCh37 (hg19) VCF-style: chr7-35242195-CAG-C.
Other names: short protein forms L397fs.
Identifiers: ClinVar variation 2832738 (VCV002832738.3), dbSNP rs2546980910, ClinGen allele CA2739266387.